The following is an entry in ClinVar:

ClinVar aggregate classification (germline): Uncertain significance (1 of 4 stars; one submission).

Allele frequency attached by ClinVar (database versions not stated): TOPMed below 0.00001; ExAC 0.00001; gnomAD exomes 0.00001.
gnomAD v4.1: 10 of 1,613,844 alleles (0.00062%); highest among the groups gnomAD compares: East Asian, 0.0045%; no homozygotes.

Submission:

GeneDx
Classification: Uncertain significance. Last evaluated: 2020-10-21. Review status: criteria provided, single submitter. Criteria: GeneDx Variant Classification Process June 2021. Collection method: clinical testing. Allele origin: germline. Affected: yes.
Comment: Identified in an individual with pulmonary atresia and a ventricular septal defect (Pu et al., 2018); In silico analysis supports that this missense variant does not alter protein structure/function; This variant is associated with the following publications: (PMID: 29018978)

NM_012082.4(ZFPM2):c.2093G>A (p.Arg698Gln)

Genes: ZFPM2 (zinc finger protein, FOG family member 2; plus strand), ZFPM2-AS1 (ZFPM2 antisense RNA 1; minus strand). Cytogenetic location: 8q23.1.
Variant type: single nucleotide variant.
Coding change: c.2093G>A on transcript NM_012082.4 (MANE Select); coding-DNA position 2093, G replaced by A.
Protein change: p.Arg698Gln; replaces arginine 698 with glutamine.
Molecular consequence: missense variant.
Genome position (GRCh38, 1-based): chr8:105,802,175, G>A. VCF-style: chr8-105802175-G-A. GRCh37 (hg19) VCF-style: chr8-106814403-G-A.
Other names: c.1934G>A, p.Arg645Gln (NM_001362836.2); c.1697G>A, p.Arg566Gln (NM_001362837.2); short protein forms R566Q, R645Q, R698Q.
Identifiers: ClinVar variation 1320884 (VCV001320884.2), dbSNP rs770304470, ClinGen allele CA4839858.